The following is an entry in ClinVar:

ClinVar aggregate classification (germline): Uncertain significance. Review status: criteria provided, multiple submitters, no conflicts (2 of 4 stars). 2 submissions from 2 submitters: Uncertain significance (2). Last evaluated 2025-07-22.

Conditions:
Hereditary cancer-predisposing syndrome. Also called: Neoplastic Syndromes, Hereditary; Tumor predisposition; Hereditary Cancer Syndrome; Hereditary neoplastic syndrome. Identifiers: Orphanet 140162, MedGen C0027672, MeSH D009386, MONDO:0015356.
POLD1-related polyposis and colorectal cancer syndrome (CRCS10). Also called: Colorectal cancer 10; COLORECTAL CANCER, SUSCEPTIBILITY TO, ON CHROMOSOME 19q; Colorectal cancer, susceptibility to, 10. Identifiers: Orphanet 220460, MedGen C2675481, MONDO:0012953, OMIM 612591.

Submissions (2):

Labcorp Genetics (formerly Invitae), Labcorp
Classification: Uncertain significance for POLD1-related polyposis and colorectal cancer syndrome. Last evaluated: 2025-07-22. Review status: criteria provided, single submitter. Criteria: Invitae Variant Classification Sherloc (09022015). Collection method: clinical testing. Allele origin: germline.
Comment: This sequence change replaces proline, which is neutral and non-polar, with leucine, which is neutral and non-polar, at codon 85 of the POLD1 protein (p.Pro85Leu). This variant is not present in population databases (gnomAD no frequency). This variant has not been reported in the literature in individuals affected with POLD1-related conditions. ClinVar contains an entry for this variant (Variation ID: 3421933). Invitae Evidence Modeling of protein sequence and biophysical properties (such as structural, functional, and spatial information, amino acid conservation, physicochemical variation, residue mobility, and thermodynamic stability) indicates that this missense variant is not expected to disrupt POLD1 protein function with a negative predictive value of 80%. In summary, the available evidence is currently insufficient to determine the role of this variant in disease. Therefore, it has been classified as a Variant of Uncertain Significance.

Ambry Genetics
Classification: Uncertain significance for Hereditary cancer-predisposing syndrome. Last evaluated: 2024-08-16. Review status: criteria provided, single submitter. Criteria: Ambry Variant Classification Scheme 2023. Collection method: clinical testing. Allele origin: germline.
Comment: The p.P85L variant (also known as c.254C>T), located in coding exon 2 of the POLD1 gene, results from a C to T substitution at nucleotide position 254. The proline at codon 85 is replaced by leucine, an amino acid with similar properties. This amino acid position is conserved. In addition, this alteration is predicted to be tolerated by in silico analysis. Based on the available evidence, the clinical significance of this variant remains unclear.

NM_002691.4(POLD1):c.254C>T (p.Pro85Leu)

Gene: POLD1 (DNA polymerase delta 1, catalytic subunit; plus strand). Cytogenetic location: 19q13.33.
Variant type: single nucleotide variant.
Coding change: c.254C>T on transcript NM_002691.4 (MANE Select); coding-DNA position 254, C replaced by T.
Protein change: p.Pro85Leu; replaces proline 85 with leucine.
Molecular consequence: missense variant. On other transcripts: non-coding transcript variant (1).
Genome position (GRCh38, 1-based): chr19:50,399,422, C>T. VCF-style: chr19-50399422-C-T. GRCh37 (hg19) VCF-style: chr19-50902679-C-T.
Other names: c.254C>T, p.Pro85Leu (NM_001256849.1, NM_001308632.1); short protein forms P85L.
Identifiers: ClinVar variation 3421933 (VCV003421933.3).